The following is an entry in ClinVar:

ClinVar aggregate classification (germline): Uncertain significance (1 of 4 stars; one submission).

Conditions:
Emery-Dreifuss muscular dystrophy 5, autosomal dominant (EDMD5). Also called: EMERY-DREIFUSS MUSCULAR DYSTROPHY 5. Identifiers: Orphanet 261, MedGen C2751805, MONDO:0013072, OMIM 612999.

Submission:

Labcorp Genetics (formerly Invitae), Labcorp
Classification: Uncertain significance for Emery-Dreifuss muscular dystrophy 5, autosomal dominant. Last evaluated: 2022-02-20. Review status: criteria provided, single submitter. Criteria: Invitae Variant Classification Sherloc (09022015). Collection method: clinical testing. Allele origin: germline.
Comment: In summary, the available evidence is currently insufficient to determine the role of this variant in disease. Therefore, it has been classified as a Variant of Uncertain Significance. Algorithms developed to predict the effect of missense changes on protein structure and function (SIFT, PolyPhen-2, Align-GVGD) all suggest that this variant is likely to be tolerated. This variant has not been reported in the literature in individuals affected with SYNE2-related conditions. This variant is not present in population databases (gnomAD no frequency). This sequence change replaces alanine, which is neutral and non-polar, with threonine, which is neutral and polar, at codon 419 of the SYNE2 protein (p.Ala419Thr).

NM_182914.3(SYNE2):c.1255G>A (p.Ala419Thr)

Gene: SYNE2 (spectrin repeat containing nuclear envelope protein 2; plus strand). Cytogenetic location: 14q23.2.
Variant type: single nucleotide variant.
Coding change: c.1255G>A on transcript NM_182914.3 (MANE Select); coding-DNA position 1255, G replaced by A.
Protein change: p.Ala419Thr; replaces alanine 419 with threonine.
Molecular consequence: missense variant.
Genome position (GRCh38, 1-based): chr14:63,976,689, G>A. VCF-style: chr14-63976689-G-A. GRCh37 (hg19) VCF-style: chr14-64443407-G-A.
Other names: c.1255G>A, p.Ala419Thr (NM_015180.6); short protein forms A419T.
Identifiers: ClinVar variation 2099939 (VCV002099939.4), dbSNP rs2550828882, ClinGen allele CA389955445.